The following is an entry in ClinVar:

NM_000282.4(PCCA):c.284del (p.Asp95fs)

Gene: PCCA (propionyl-CoA carboxylase subunit alpha; plus strand). Cytogenetic location: 13q32.3.
Variant type: Deletion.
Coding change: c.284del on transcript NM_000282.4 (MANE Select); coding-DNA position 284, one base deleted (A; older notation c.284delA).
Protein change: p.Asp95fs; shifts the reading frame from aspartic acid 95.
Molecular consequence: frameshift variant. On other transcripts: non-coding transcript variant (5), 5 prime UTR variant (3).
Genome position (GRCh38, 1-based): chr13:100,112,045, A deleted. VCF-style (leftmost placement, unchanged base first): chr13-100112044-GA-G. GRCh37 (hg19) VCF-style: chr13-100764298-GA-G.
Other names: c.206del, p.Asp69fs (NM_001127692.3, NM_001352607.2, NM_001352608.2); c.284del, p.Asp95fs (NM_001178004.2, NM_001352605.2, NM_001352606.2 and 1 more transcripts); c.-583del (NM_001352610.2, NM_001352611.2, NM_001352612.2); short protein forms D69fs, D95fs.
Identifiers: ClinVar variation 1324851 (VCV001324851.9), dbSNP rs775825345, ClinGen allele CA7033164.

ClinVar aggregate classification (germline): Pathogenic/Likely pathogenic. Review status: criteria provided, multiple submitters, no conflicts (2 of 4 stars). 3 submissions from 3 submitters: Pathogenic (1); Likely pathogenic (2). Last evaluated 2024-02-17.

Conditions:
Propionic acidemia (PROP). Also called: HYPERGLYCINEMIA WITH KETOACIDOSIS AND LEUKOPENIA; KETOTIC HYPERGLYCINEMIA; GLYCINEMIA, KETOTIC. Identifiers: Orphanet 35, MedGen C0268579, MONDO:0011628, OMIM 606054, HP:0003571.

Allele frequency attached by ClinVar (database versions not stated): gnomAD exomes below 0.00001; ExAC 0.00001.

Submissions (3):

Labcorp Genetics (formerly Invitae), Labcorp
Classification: Pathogenic for Propionic acidemia. Last evaluated: 2024-02-17. Review status: criteria provided, single submitter. Criteria: Invitae Variant Classification Sherloc (09022015). Collection method: clinical testing. Allele origin: germline.
Comment: This sequence change creates a premature translational stop signal (p.Asp95Valfs*9) in the PCCA gene. It is expected to result in an absent or disrupted protein product. Loss-of-function variants in PCCA are known to be pathogenic (PMID: 15464417). This variant is present in population databases (rs775825345, gnomAD 0.003%). This variant has not been reported in the literature in individuals affected with PCCA-related conditions. ClinVar contains an entry for this variant (Variation ID: 1324851). For these reasons, this variant has been classified as Pathogenic.

Baylor Genetics
Classification: Likely pathogenic for Propionic acidemia. Last evaluated: 2023-04-05. Review status: criteria provided, single submitter. Criteria: ACMG Guidelines, 2015. Collection method: clinical testing. Allele origin: unknown.

Revvity Omics, Revvity
Classification: Likely pathogenic for Propionic acidemia. Last evaluated: 2021-07-07. Review status: criteria provided, single submitter. Criteria: ACMG Guidelines, 2015. Collection method: clinical testing. Allele origin: germline.

Literature cited by the submitters: PubMed 15464417 (cited by Labcorp Genetics (formerly Invitae), Labcorp).